The following is an entry in ClinVar:

NM_004329.3(BMPR1A):c.805G>A (p.Ala269Thr)

Gene: BMPR1A (bone morphogenetic protein receptor type 1A; plus strand). Cytogenetic location: 10q23.2.
Variant type: single nucleotide variant.
Coding change: c.805G>A on transcript NM_004329.3 (MANE Select); coding-DNA position 805, G replaced by A.
Protein change: p.Ala269Thr; replaces alanine 269 with threonine.
Molecular consequence: missense variant.
Genome position (GRCh38, 1-based): chr10:86,917,263, G>A. VCF-style: chr10-86917263-G-A. GRCh37 (hg19) VCF-style: chr10-88677020-G-A.
Other names: c.805G>A (NM_004329.2); short protein forms A269T.
Identifiers: ClinVar variation 1502441 (VCV001502441.9), dbSNP rs2133576894, ClinGen allele CA377458316.

ClinVar aggregate classification (germline): Uncertain significance. Review status: criteria provided, multiple submitters, no conflicts (2 of 4 stars). 2 submissions from 2 submitters: Uncertain significance (2). Last evaluated 2024-07-09.

Conditions:
Juvenile polyposis syndrome (JPS). Identifiers: Orphanet 2929, MedGen C0345893, MONDO:0017380, OMIM 174900.
Hereditary cancer-predisposing syndrome. Also called: Tumor predisposition; Hereditary neoplastic syndrome; Neoplastic Syndromes, Hereditary; Hereditary Cancer Syndrome. Identifiers: Orphanet 140162, MedGen C0027672, MeSH D009386, MONDO:0015356.

Submissions (2):

Labcorp Genetics (formerly Invitae), Labcorp
Classification: Uncertain significance for Juvenile polyposis syndrome. Last evaluated: 2024-07-09. Review status: criteria provided, single submitter. Criteria: Invitae Variant Classification Sherloc (09022015). Collection method: clinical testing. Allele origin: germline.
Comment: This sequence change replaces alanine, which is neutral and non-polar, with threonine, which is neutral and polar, at codon 269 of the BMPR1A protein (p.Ala269Thr). This variant is not present in population databases (gnomAD no frequency). This variant has not been reported in the literature in individuals affected with BMPR1A-related conditions. ClinVar contains an entry for this variant (Variation ID: 1502441). Advanced modeling of protein sequence and biophysical properties (such as structural, functional, and spatial information, amino acid conservation, physicochemical variation, residue mobility, and thermodynamic stability) has been performed at Invitae for this missense variant, however the output from this modeling did not meet the statistical confidence thresholds required to predict the impact of this variant on BMPR1A protein function. In summary, the available evidence is currently insufficient to determine the role of this variant in disease. Therefore, it has been classified as a Variant of Uncertain Significance.

Ambry Genetics
Classification: Uncertain significance for Hereditary cancer-predisposing syndrome. Last evaluated: 2024-04-10. Review status: criteria provided, single submitter. Criteria: Ambry Variant Classification Scheme 2023. Collection method: clinical testing. Allele origin: germline.
Comment: The p.A269T variant (also known as c.805G>A), located in coding exon 7 of the BMPR1A gene, results from a G to A substitution at nucleotide position 805. The alanine at codon 269 is replaced by threonine, an amino acid with similar properties. This amino acid position is conserved. In addition, the in silico prediction for this alteration is inconclusive. Based on the available evidence, the clinical significance of this variant remains unclear.